The following is an entry in ClinVar:

ClinVar aggregate classification (germline): Likely benign (1 of 4 stars; one submission).

Allele frequency attached by ClinVar (database versions not stated): gnomAD 0.00005.
gnomAD v4.1: 50 of 1,612,520 alleles (0.0031%); highest among the groups gnomAD compares: Admixed American, 0.053%; no homozygotes.

Submission:

CeGaT Center for Human Genetics Tuebingen
Classification: Likely benign. Last evaluated: 2023-01-01. Review status: criteria provided, single submitter. Criteria: CeGaT Center For Human Genetics Tuebingen Variant Classification Criteria Version 2. Collection method: clinical testing. Allele origin: germline. Affected: yes. Observed: 1 variant allele.
Comment: AHNAK2: BP4, BP7

NM_138420.4(AHNAK2):c.2946G>A (p.Gly982=)

Gene: AHNAK2 (AHNAK nucleoprotein 2; minus strand). Cytogenetic location: 14q32.33.
Variant type: single nucleotide variant.
Coding change: c.2946G>A on transcript NM_138420.4 (MANE Select); coding-DNA position 2946, G replaced by A.
Protein change: p.Gly982=; no amino-acid change (glycine 982 retained).
Molecular consequence: synonymous variant.
Genome position (GRCh38, 1-based): chr14:104,952,505, C>T on the plus strand (G>A on the coding strand, the complement: AHNAK2 is on the minus strand). VCF-style: chr14-104952505-C-T. GRCh37 (hg19) VCF-style: chr14-105418842-C-T.
Other names: c.2646G>A, p.Gly882= (NM_001350929.2).
Identifiers: ClinVar variation 2644872 (VCV002644872.24), dbSNP rs749967968, ClinGen allele CA7383292.
Genomic context (GRCh38, chr14:104,952,505, plus strand): 5'-CTTGGGCATTTTGAACTTGCTGTCTTTGGCAGTCACGTCCTTGTCGGCCAGGGACAGGTC[C>T]CCCTCCAGCCACGCACCATCCAGCTTGGCCTTCTGGGCCTGGACATCCACCTCCATGCTG-3'
Protein context (NP_612429.2, residues 972-992): KAKLDGAWLE[Gly982=]DLSLADKDVT